The following is an entry in ClinVar:

NM_145239.3(PRRT2):c.215C>T (p.Thr72Ile)

Genes: MVP-DT (MVP divergent transcript; minus strand), PRRT2 (proline rich transmembrane protein 2; plus strand). Cytogenetic location: 16p11.2.
Variant type: single nucleotide variant.
Coding change: c.215C>T on transcript NM_145239.3 (MANE Select); coding-DNA position 215, C replaced by T.
Protein change: p.Thr72Ile; replaces threonine 72 with isoleucine.
Molecular consequence: missense variant.
Genome position (GRCh38, 1-based): chr16:29,813,269, C>T. VCF-style: chr16-29813269-C-T. GRCh37 (hg19) VCF-style: chr16-29824590-C-T.
Other names: c.215C>T, p.Thr72Ile (NM_001256442.2, NM_001256443.2); short protein forms T72I.
Identifiers: ClinVar variation 1308757 (VCV001308757.2), dbSNP rs1900069841, ClinGen allele CA395477723.

ClinVar aggregate classification (germline): Uncertain significance (1 of 4 stars; one submission).

Submission:

GeneDx
Classification: Uncertain significance. Last evaluated: 2020-08-27. Review status: criteria provided, single submitter. Criteria: GeneDx Variant Classification Process June 2021. Collection method: clinical testing. Allele origin: germline. Affected: yes.
Comment: Not observed in large population cohorts (Lek et al., 2016); In silico analysis, which includes protein predictors and evolutionary conservation, supports that this variant does not alter protein structure/function; Has not been previously published as pathogenic or benign to our knowledge